The following is an entry in ClinVar:

ClinVar aggregate classification (germline): Uncertain significance (1 of 4 stars; one submission).

Conditions:
Hereditary cancer-predisposing syndrome. Also called: Tumor predisposition; Hereditary neoplastic syndrome; Hereditary Cancer Syndrome; Neoplastic Syndromes, Hereditary. Identifiers: Orphanet 140162, MedGen C0027672, MeSH D009386, MONDO:0015356.

Submission:

Labcorp Genetics (formerly Invitae), Labcorp
Classification: Uncertain significance for Hereditary cancer-predisposing syndrome. Last evaluated: 2023-06-30. Review status: criteria provided, single submitter. Criteria: Invitae Variant Classification Sherloc (09022015). Collection method: clinical testing. Allele origin: germline.
Comment: This sequence change replaces threonine, which is neutral and polar, with proline, which is neutral and non-polar, at codon 103 of the RAD50 protein (p.Thr103Pro). This variant is not present in population databases (gnomAD no frequency). This variant has not been reported in the literature in individuals affected with RAD50-related conditions. ClinVar contains an entry for this variant (Variation ID: 577121). Advanced modeling of protein sequence and biophysical properties (such as structural, functional, and spatial information, amino acid conservation, physicochemical variation, residue mobility, and thermodynamic stability) performed at Invitae indicates that this missense variant is expected to disrupt RAD50 protein function. Algorithms developed to predict the effect of sequence changes on RNA splicing suggest that this variant may disrupt the consensus splice site. In summary, the available evidence is currently insufficient to determine the role of this variant in disease. Therefore, it has been classified as a Variant of Uncertain Significance.

NM_005732.4(RAD50):c.307A>C (p.Thr103Pro)

Gene: RAD50 (RAD50 double strand break repair protein; plus strand). Cytogenetic location: 5q31.1.
Variant type: single nucleotide variant.
Coding change: c.307A>C on transcript NM_005732.4 (MANE Select); coding-DNA position 307, A replaced by C.
Protein change: p.Thr103Pro; replaces threonine 103 with proline.
Molecular consequence: missense variant.
Genome position (GRCh38, 1-based): chr5:132,575,870, A>C. VCF-style: chr5-132575870-A-C. GRCh37 (hg19) VCF-style: chr5-131911562-A-C.
Other names: short protein forms T103P.
Identifiers: ClinVar variation 577121 (VCV000577121.8), dbSNP rs1561634387, ClinGen allele CA360931054.